The following is an entry in ClinVar:

NM_182961.4(SYNE1):c.6037G>A (p.Ala2013Thr)

Gene: SYNE1 (spectrin repeat containing nuclear envelope protein 1; minus strand). Cytogenetic location: 6q25.2.
Variant type: single nucleotide variant.
Coding change: c.6037G>A on transcript NM_182961.4 (MANE Select); coding-DNA position 6037, G replaced by A.
Protein change: p.Ala2013Thr; replaces alanine 2013 with threonine.
Molecular consequence: missense variant.
Genome position (GRCh38, 1-based): chr6:152,416,400, C>T on the plus strand (G>A on the coding strand, the complement: SYNE1 is on the minus strand). VCF-style: chr6-152416400-C-T. GRCh37 (hg19) VCF-style: chr6-152737535-C-T.
Other names: c.6058G>A, p.Ala2020Thr (NM_033071.5); short protein forms A2013T, A2020T.
Identifiers: ClinVar variation 2059185 (VCV002059185.4), dbSNP rs1170121625, ClinGen allele CA366131278.

ClinVar aggregate classification (germline): Uncertain significance (1 of 4 stars; one submission).

Conditions:
Emery-Dreifuss muscular dystrophy 4, autosomal dominant (EDMD4). Also called: EMERY-DREIFUSS MUSCULAR DYSTROPHY 4 WITH VARIABLE FEATURES. Identifiers: Orphanet 261, MedGen C2751807, MONDO:0013071, OMIM 612998.
Autosomal recessive ataxia, Beauce type. Also called: SYNE1 Deficiency; Spinocerebellar ataxia, autosomal recessive 8; ATAXIA, RECESSIVE, OF BEAUCE; SYNE1-Related Autosomal Recessive Cerebellar Ataxia. Identifiers: Orphanet 88644, MedGen C1853116, MONDO:0012549, OMIM 610743.

Allele frequency attached by ClinVar (database versions not stated): gnomAD exomes 0.00001.
gnomAD v4.1: 19 of 1,614,086 alleles (0.0012%); highest among the groups gnomAD compares: Non-Finnish European, 0.0016%; no homozygotes.

Submission:

Labcorp Genetics (formerly Invitae), Labcorp
Classification: Uncertain significance for Emery-Dreifuss muscular dystrophy 4, autosomal dominant; Autosomal recessive ataxia, Beauce type. Last evaluated: 2022-07-04. Review status: criteria provided, single submitter. Criteria: Invitae Variant Classification Sherloc (09022015). Collection method: clinical testing. Allele origin: germline.
Comment: In summary, the available evidence is currently insufficient to determine the role of this variant in disease. Therefore, it has been classified as a Variant of Uncertain Significance. Algorithms developed to predict the effect of missense changes on protein structure and function are either unavailable or do not agree on the potential impact of this missense change (SIFT: "Deleterious"; PolyPhen-2: "Benign"; Align-GVGD: "Class C55"). This variant has not been reported in the literature in individuals affected with SYNE1-related conditions. This variant is not present in population databases (gnomAD no frequency). This sequence change replaces alanine, which is neutral and non-polar, with threonine, which is neutral and polar, at codon 2020 of the SYNE1 protein (p.Ala2020Thr).